The following is an entry in ClinVar:

ClinVar aggregate classification (germline): Uncertain significance (1 of 4 stars; one submission).

Conditions:
Hereditary spastic paraplegia 31. Also called: SPASTIC PARAPLEGIA 31, AUTOSOMAL DOMINANT. Identifiers: Orphanet 101011, MedGen C1853247, MONDO:0012453, OMIM 610250.

Allele frequency attached by ClinVar (database versions not stated): gnomAD exomes below 0.00001 and 0.00001; gnomAD 0.00001; ExAC 0.00002; TOPMed 0.00002.
gnomAD v4.1: 5 of 1,613,494 alleles (0.00031%); highest among the groups gnomAD compares: Admixed American, 0.0017%; no homozygotes.

Submission:

Labcorp Genetics (formerly Invitae), Labcorp
Classification: Uncertain significance for Hereditary spastic paraplegia 31. Last evaluated: 2023-09-25. Review status: criteria provided, single submitter. Criteria: Invitae Variant Classification Sherloc (09022015). Collection method: clinical testing. Allele origin: germline.
Comment: In summary, the available evidence is currently insufficient to determine the role of this variant in disease. Therefore, it has been classified as a Variant of Uncertain Significance. An algorithm developed to predict the effect of missense changes on protein structure and function (PolyPhen-2) suggests that this variant is likely to be disruptive. ClinVar contains an entry for this variant (Variation ID: 998877). This variant has not been reported in the literature in individuals affected with REEP1-related conditions. This variant is present in population databases (rs766247706, gnomAD 0.002%). This sequence change replaces serine, which is neutral and polar, with leucine, which is neutral and non-polar, at codon 98 of the REEP1 protein (p.Ser98Leu).

NM_001371279.1(REEP1):c.293C>T (p.Ser98Leu)

Gene: REEP1 (receptor accessory protein 1; minus strand). Cytogenetic location: 2p11.2.
Variant type: single nucleotide variant.
Coding change: c.293C>T on transcript NM_001371279.1 (MANE Select); coding-DNA position 293, C replaced by T.
Protein change: p.Ser98Leu; replaces serine 98 with leucine.
Molecular consequence: missense variant. On other transcripts: intron variant (1).
Genome position (GRCh38, 1-based): chr2:86,254,704, G>A on the plus strand (C>T on the coding strand, the complement: REEP1 is on the minus strand). VCF-style: chr2-86254704-G-A. GRCh37 (hg19) VCF-style: chr2-86481827-G-A.
Other names: c.314C>T, p.Ser105Leu (NM_001164730.2); c.212C>T, p.Ser71Leu (NM_001164731.2); c.293C>T, p.Ser98Leu (NM_001371280.1, NM_022912.3); c.182+9261C>T (NM_001164732.2); short protein forms S105L, S71L, S98L.
Identifiers: ClinVar variation 998877 (VCV000998877.10), dbSNP rs766247706, ClinGen allele CA1748788.